The following is an entry in ClinVar:

NM_030753.5(WNT3):c.921C>T (p.Ile307=)

Genes: LRRC37A2 (leucine rich repeat containing 37 member A2), WNT3 (Wnt family member 3; minus strand). Cytogenetic location: 17q21.31.
Variant type: single nucleotide variant.
Coding change: c.921C>T on transcript NM_030753.5 (MANE Select); coding-DNA position 921, C replaced by T.
Protein change: p.Ile307=; no amino-acid change (isoleucine 307 retained).
Molecular consequence: synonymous variant.
Genome position (GRCh38, 1-based): chr17:46,768,467, G>A on the plus strand (C>T on the coding strand, the complement: WNT3 is on the minus strand). VCF-style: chr17-46768467-G-A. GRCh37 (hg19) VCF-style: chr17-44845833-G-A.
Other names: c.921C>T (NM_030753.4).
Identifiers: ClinVar variation 1649970 (VCV001649970.10), dbSNP rs150717986, ClinGen allele CA8620521.

ClinVar aggregate classification (germline): Likely benign. Review status: criteria provided, single submitter (1 of 4 stars). 2 submissions from 2 submitters: Likely benign (1). 1 of the submissions does not count toward it. Last evaluated 2025-11-18.

Conditions:
WNT3-related disorder. Also called: WNT3-related condition.

Allele frequency attached by ClinVar (database versions not stated): gnomAD exomes 0.00005 and 0.00016; ExAC 0.00013; 1000 Genomes Project 0.00040; gnomAD 0.00042 and 0.00045; 1000 Genomes Project 30x 0.00047; ESP Exome Variant Server 0.00054; TOPMed 0.00062.
gnomAD v4.1: 140 of 1,614,150 alleles (0.0087%); highest among the groups gnomAD compares: African/African-American, 0.15%; no homozygotes.

Submissions (2):

Labcorp Genetics (formerly Invitae), Labcorp
Classification: Likely benign. Last evaluated: 2025-11-18. Review status: criteria provided, single submitter. Criteria: Invitae Variant Classification Sherloc (09022015). Collection method: clinical testing. Allele origin: germline.

PreventionGenetics, part of Exact Sciences
Classification: Likely benign for WNT3-related condition. Last evaluated: 2019-09-04. Review status: no assertion criteria provided. Collection method: clinical testing. Allele origin: germline. Not counted in ClinVar's aggregate classification.
Comment: This variant is classified as likely benign based on ACMG/AMP sequence variant interpretation guidelines (Richards et al. 2015 PMID: 25741868, with internal and published modifications).